The following is an entry in ClinVar:

NM_032043.3(BRIP1):c.2983A>C (p.Lys995Gln)

Gene: BRIP1 (BRCA1 interacting DNA helicase 1; minus strand). Cytogenetic location: 17q23.2.
Variant type: single nucleotide variant.
Coding change: c.2983A>C on transcript NM_032043.3 (MANE Select); coding-DNA position 2983, A replaced by C.
Protein change: p.Lys995Gln; replaces lysine 995 with glutamine.
Molecular consequence: missense variant.
Genome position (GRCh38, 1-based): chr17:61,684,063, T>G on the plus strand (A>C on the coding strand, the complement: BRIP1 is on the minus strand). VCF-style: chr17-61684063-T-G. GRCh37 (hg19) VCF-style: chr17-59761424-T-G.
Other names: short protein forms K995Q.
Identifiers: ClinVar variation 3228117 (VCV003228117.1), dbSNP rs1555572929, ClinGen allele CA400480610.

ClinVar aggregate classification (germline): Uncertain significance (1 of 4 stars; one submission).

Conditions:
Hereditary cancer-predisposing syndrome. Also called: Neoplastic Syndromes, Hereditary; Tumor predisposition; Hereditary neoplastic syndrome; Hereditary Cancer Syndrome. Identifiers: Orphanet 140162, MedGen C0027672, MeSH D009386, MONDO:0015356.

Submission:

Ambry Genetics
Classification: Uncertain significance for Hereditary cancer-predisposing syndrome. Last evaluated: 2024-01-31. Review status: criteria provided, single submitter. Criteria: Ambry Variant Classification Scheme 2023. Collection method: clinical testing. Allele origin: germline.
Comment: The p.K995Q variant (also known as c.2983A>C), located in coding exon 19 of the BRIP1 gene, results from an A to C substitution at nucleotide position 2983. The lysine at codon 995 is replaced by glutamine, an amino acid with similar properties. This amino acid position is conserved. In addition, this alteration is predicted to be tolerated by in silico analysis. Based on the available evidence, the clinical significance of this alteration remains unclear.